The following is an entry in ClinVar:

NM_000038.6(APC):c.2805C>A (p.Tyr935Ter)

Gene: APC (APC regulator of Wnt signaling pathway; plus strand). Cytogenetic location: 5q22.2.
Variant type: single nucleotide variant.
Coding change: c.2805C>A on transcript NM_000038.6 (MANE Select); coding-DNA position 2805, C replaced by A.
Protein change: p.Tyr935Ter; replaces tyrosine 935 with a stop codon.
Molecular consequence: nonsense.
Genome position (GRCh38, 1-based): chr5:112,838,399, C>A. VCF-style: chr5-112838399-C-A. GRCh37 (hg19) VCF-style: chr5-112174096-C-A.
Other names: p.Y935*:TAC>TAA; c.2805C>A, p.Tyr935Ter (NM_001127510.3, NM_001354895.2); c.2751C>A, p.Tyr917Ter (NM_001127511.3); c.2859C>A, p.Tyr953Ter (NM_001354896.2); c.2835C>A, p.Tyr945Ter (NM_001354897.2); c.2730C>A, p.Tyr910Ter (NM_001354898.2); c.2721C>A, p.Tyr907Ter (NM_001354899.2); c.2682C>A, p.Tyr894Ter (NM_001354900.2); and 6 more; short protein forms Y935*, Y917*, Y775*, Y809*, Y876*, Y953*, Y652*, Y834*.
Identifiers: ClinVar variation 810 (VCV000000810.44), dbSNP rs137854575, ClinGen allele CA007805.

ClinVar aggregate classification (germline): Pathogenic. Review status: criteria provided, multiple submitters, no conflicts (2 of 4 stars). 21 submissions from 21 submitters: Pathogenic (16). 5 of the submissions do not count toward it. Last evaluated 2026-03-31.
ClinVar aggregate classification (oncogenicity): Oncogenic (1 of 4 stars; one submission).

Conditions:
APC-related disorder. Also called: APC-related condition.
Hereditary cancer-predisposing syndrome. Also called: Neoplastic Syndromes, Hereditary; Tumor predisposition; Hereditary Cancer Syndrome; Hereditary neoplastic syndrome. Identifiers: Orphanet 140162, MedGen C0027672, MeSH D009386, MONDO:0015356.
Familial adenomatous polyposis 1 (FAP1). Also called: POLYPOSIS, ADENOMATOUS INTESTINAL; FAMILIAL ADENOMATOUS POLYPOSIS 1, ATTENUATED. Identifiers: MedGen C2713442, MONDO:0021056, OMIM 175100. Disease mechanism: loss of function.
Neoplasm of stomach. Also called: Stomach Neoplasms; Gastric neoplasm; Neoplasm of the stomach. Identifiers: MedGen C0038356, MONDO:0021085, HP:0006753. Disease mechanism: gain of function. Inheritance: Somatic mutation.
Carcinoma of colon (CRC). Also called: Colonic carcinoma; Colon carcinoma. Identifiers: MedGen C0699790, MONDO:0002032.
Hepatocellular carcinoma (HCC). Also called: Primary carcinoma of liver; HEPATOMA; LIVER CELL CARCINOMA. Identifiers: Orphanet 88673, MedGen C2239176, MONDO:0007256, OMIM 114550, HP:0001402.
Desmoid disease, hereditary (DESMD). Also called: FIBROMATOSIS, FAMILIAL INFILTRATIVE. Identifiers: Orphanet 873, MedGen C1851124, OMIM 135290. Disease mechanism: loss of function.
Familial multiple polyposis syndrome (FAP). Also called: Familial Adenomatous Polyposis (FAP); Familial adenomatous polyposis; Familial intestinal polyposis; Familial polyposis; Classic familial adenomatous polyposis. Identifiers: Orphanet 733, MedGen C0032580, MONDO:0021055. Disease mechanism: loss of function.
Colorectal cancer, susceptibility to. Identifiers: MedGen C1858438.
Neoplasm. Also called: tumor; Neoplasms; Neoplasm (disease). Identifiers: MedGen C0027651, MeSH D009369, MONDO:0005070, HP:0002664.

Submissions 1 to 10 of 22:

PreventionGenetics, part of Exact Sciences
Classification: Pathogenic for APC-related condition. Last evaluated: 2026-03-31. Review status: criteria provided, single submitter. Criteria: ACMG Guidelines, 2015. Collection method: clinical testing. Allele origin: germline.
Comment: The APC c.2805C>A variant is predicted to result in premature protein termination (p.Tyr935*). This variant has been reported in multiple individuals with familial adenomatous polyposis (FAP) (Mehenni et al. 2005. PubMed ID: 16292097; Rivera et al. 2011. PubMed ID: 20924072; Cao et al. 2000. PubMed ID: 10713886; Friedl et al. 2005. PubMed ID: 20223039), and has been reported in an individual with medulloblastoma (Waszak et al. 2018. PubMed ID: 29753700, Table S2). This variant has not been reported in a large population frequency database, indicating this variant is rare and is interpreted as pathogenic in ClinVar (Variation ID: 810). Nonsense variants in APC are expected to be pathogenic. This variant is interpreted as pathogenic.

Center for Genomic Medicine, Rigshospitalet, Copenhagen University Hospital
Classification: Oncogenic for Neoplasm. Last evaluated: 2025-12-29. Review status: criteria provided, single submitter. Criteria: ClinGen/CGC/VICC Guidelines for Oncogenicity, 2022. Collection method: clinical testing. Allele origin: somatic. Affected: yes.

Labcorp Genetics (formerly Invitae), Labcorp
Classification: Pathogenic for Familial adenomatous polyposis 1. Last evaluated: 2025-12-29. Review status: criteria provided, single submitter. Criteria: Invitae Variant Classification Sherloc (09022015). Collection method: clinical testing. Allele origin: germline.
Comment: This sequence change creates a premature translational stop signal (p.Tyr935*) in the APC gene. While this is not anticipated to result in nonsense mediated decay, it is expected to disrupt the last 1909 amino acid(s) of the APC protein. This variant is not present in population databases (gnomAD no frequency). This premature translational stop signal has been observed in individual(s) with FAP and thyroid cancer and familial adenomatous polyposis (FAP) (PMID: 1324223, 1944466, 8381579, 8990002, 10083733, 10094547, 10713886, 11748858, 11933206, 12173026, 15024739, 15108288, 16088911, 16317745, 17411426, 19793053, 20685668, 20924072, 26300997). ClinVar contains an entry for this variant (Variation ID: 810). This variant is expected to disrupt the EB1 and HDLG binding sites, which mediate interactions with the cytoskeleton (PMID: 15311282, 17293347). While functional studies have not been performed to directly test the effect on APC protein function, this suggests that disruption of the C-terminal portion of the protein is functionally important. A different truncation (p.Tyr2645Lysfs*14) that lies downstream of this variant has been determined to be pathogenic (PMID: 9824584, 1316610, 27081525, 8381579, 22135120, internal data). This suggests that deletion of this region of the APC protein is causative of disease. For these reasons, this variant has been classified as Pathogenic.

GeneKor MSA
Classification: Pathogenic for Hereditary cancer-predisposing syndrome. Last evaluated: 2025-06-25. Review status: criteria provided, single submitter. Criteria: ACMG Guidelines, 2015. Collection method: clinical testing. Allele origin: germline.
Comment: This variant is a single base substitution at nucleotide position 2805 of the APC gene, replacing Tyrosine with a termination stop signal at codon 935. This results in the production of a truncated, non-functional protein. Truncating variants in APC are known to be pathogenic (PMID:17963004, 20685668). This variant has been described in population databases (rs137854575). ClinVar contains entries for this variant (VCV000000810.40) and it has been reported in numerous families with Familial Adenomatous Polyposis (FAP, PMID:8990002, 20223039, 16088911, 18433509, 20924072). Based on the classification criteria set by the ACMG and AMP (PMID:25741868) this variant has been classified as pathogenic.

Women's Health and Genetics/Laboratory Corporation of America, LabCorp
Classification: Pathogenic for Familial multiple polyposis syndrome. Last evaluated: 2025-03-13. Review status: criteria provided, single submitter. Criteria: LabCorp Variant Classification Summary - May 2015. Collection method: clinical testing. Allele origin: germline.
Comment: Variant summary: APC c.2805C>A (p.Tyr935X) results in a premature termination codon, predicted to cause a truncation of the encoded protein or absence of the protein due to nonsense mediated decay, which are commonly known mechanisms for disease. The variant was absent in 250710 control chromosomes (gnomAD). c.2805C>A has been reported in the literature in multiple individuals affected with Familial Adenomatous Polyposis, including two de novo occurrences (Kohoutov_2002, Aceto_2005). These data indicate that the variant is very likely to be associated with disease. To our knowledge, no experimental evidence demonstrating an impact on protein function has been reported. The following publications have been ascertained in the context of this evaluation (PMID: 16134147, 11933206). ClinVar contains an entry for this variant (Variation ID: 810). Based on the evidence outlined above, the variant was classified as pathogenic.

Ambry Genetics
Classification: Pathogenic for Hereditary cancer-predisposing syndrome. Last evaluated: 2024-05-22. Review status: criteria provided, single submitter. Criteria: Ambry Variant Classification Scheme 2023. Collection method: clinical testing. Allele origin: germline.
Comment: The p.Y935* pathogenic mutation (also known as c.2805C>A), located in coding exon 15 of the APC gene, results from a C to A substitution at nucleotide position 2805. This changes the amino acid from a tyrosine to a stop codon within coding exon 15. This pathogenic mutation has been reported in numerous families with Familial Adenomatous Polyposis (FAP) (van der Luijt RB et al. Hum. Mutat.1997;9:7-16; Friedl W et al. Hered Cancer Clin Pract. 2005 Sep;3:95-114; Kim DW et al. Hum. Mutat. 2005 Sep;26:281; Kanter-Smoler G et al. BMC Med. 2008 Apr;6:10; Rivera B et al. Ann. Oncol. 2011 Apr;22:903-9). This variant is considered to be rare based on population cohorts in the Genome Aggregation Database (gnomAD). In addition to the clinical data presented in the literature, this alteration is expected to result in loss of function by premature protein truncation. As such, this alteration is interpreted as a disease-causing mutation.

Genomic Medicine Center of Excellence, King Faisal Specialist Hospital and Research Centre
Classification: Pathogenic for Familial adenomatous polyposis 1. Last evaluated: 2024-03-29. Review status: criteria provided, single submitter. Criteria: ACMG Guidelines, 2015. Collection method: clinical testing. Allele origin: germline.

Baylor Genetics
Classification: Pathogenic for Familial adenomatous polyposis 1. Last evaluated: 2023-10-16. Review status: criteria provided, single submitter. Criteria: ACMG Guidelines, 2015. Collection method: clinical testing. Allele origin: unknown.

Quest Diagnostics Nichols Institute San Juan Capistrano
Classification: Pathogenic. Last evaluated: 2023-07-11. Review status: criteria provided, single submitter. Criteria: Quest Diagnostics criteria. Collection method: clinical testing. Allele origin: unknown.
Comment: The APC c.2805C>A (p.Tyr935*) variant causes the premature termination of APC protein synthesis. This variant has been reported in the published literature in several individuals and families affected with FAP (PMID: 35142982 (2022), 26300997 (2015), 23970361 (2013), 20924072 (2011), 12173026 (2002)). This variant has not been reported in large, multi-ethnic general populations (Genome Aggregation Database). Based on the available information, this variant is classified as pathogenic.

Myriad Genetics, Inc.
Classification: Pathogenic for Familial adenomatous polyposis 1. Last evaluated: 2023-05-05. Review status: criteria provided, single submitter. Criteria: Myriad Autosomal Dominant, Autosomal Recessive and X-Linked Classification Criteria (2023). Collection method: clinical testing. Allele origin: unknown.
Comment: This variant is considered pathogenic. This variant creates a termination codon and is predicted to result in premature protein truncation.